The following is an entry in ClinVar:

ClinVar aggregate classification (germline): Uncertain significance (1 of 4 stars; one submission).

Conditions:
Immunodeficiency, common variable, 7. Identifiers: Orphanet 1572, Orphanet 696894, MedGen C3542922, MONDO:0013862, OMIM 614699.

Allele frequency attached by ClinVar (database versions not stated): ESP Exome Variant Server 0.00008; ExAC 0.00002.
gnomAD v4.1: 13 of 1,613,846 alleles (0.00081%); highest among the groups gnomAD compares: South Asian, 0.0044%; no homozygotes.

Submission:

Labcorp Genetics (formerly Invitae), Labcorp
Classification: Uncertain significance for Immunodeficiency, common variable, 7. Last evaluated: 2022-04-04. Review status: criteria provided, single submitter. Criteria: Invitae Variant Classification Sherloc (09022015). Collection method: clinical testing. Allele origin: germline.
Comment: This sequence change replaces arginine, which is basic and polar, with glutamine, which is neutral and polar, at codon 233 of the CR2 protein (p.Arg233Gln). This variant is present in population databases (rs149087222, gnomAD 0.007%). This variant has not been reported in the literature in individuals affected with CR2-related conditions. Algorithms developed to predict the effect of missense changes on protein structure and function output the following: SIFT: "Tolerated"; PolyPhen-2: "Benign"; Align-GVGD: "Class C0". The glutamine amino acid residue is found in multiple mammalian species, which suggests that this missense change does not adversely affect protein function. Algorithms developed to predict the effect of sequence changes on RNA splicing suggest that this variant may disrupt the consensus splice site. In summary, the available evidence is currently insufficient to determine the role of this variant in disease. Therefore, it has been classified as a Variant of Uncertain Significance.

NM_001006658.3(CR2):c.698G>A (p.Arg233Gln)

Gene: CR2 (complement C3d receptor 2; plus strand). Cytogenetic location: 1q32.2.
Variant type: single nucleotide variant.
Coding change: c.698G>A on transcript NM_001006658.3 (MANE Select); coding-DNA position 698, G replaced by A.
Protein change: p.Arg233Gln; replaces arginine 233 with glutamine.
Molecular consequence: missense variant.
Genome position (GRCh38, 1-based): chr1:207,468,863, G>A. VCF-style: chr1-207468863-G-A. GRCh37 (hg19) VCF-style: chr1-207642208-G-A.
Other names: c.698G>A, p.Arg233Gln (NM_001877.5); short protein forms R233Q.
Identifiers: ClinVar variation 2175237 (VCV002175237.1), dbSNP rs149087222, ClinGen allele CA1368510.